The following is an entry in ClinVar:

NM_001267550.2(TTN):c.60613A>G (p.Ile20205Val)

Genes: TTN (titin; minus strand), TTN-AS1 (TTN antisense RNA 1; plus strand). Cytogenetic location: 2q31.2.
Variant type: single nucleotide variant.
Coding change: c.60613A>G on transcript NM_001267550.2 (MANE Select); coding-DNA position 60613, A replaced by G.
Protein change: p.Ile20205Val; replaces isoleucine 20205 with valine.
Molecular consequence: missense variant.
Genome position (GRCh38, 1-based): chr2:178,591,112, T>C on the plus strand (A>G on the coding strand, the complement: TTN is on the minus strand). VCF-style: chr2-178591112-T-C. GRCh37 (hg19) VCF-style: chr2-179455839-T-C.
Other names: c.55690A>G, p.Ile18564Val (NM_001256850.1); c.33418A>G, p.Ile11140Val (NM_003319.4); c.52909A>G, p.Ile17637Val (NM_133378.4); c.33793A>G, p.Ile11265Val (NM_133432.3); c.33994A>G, p.Ile11332Val (NM_133437.4); short protein forms I11332V, I18564V, I20205V, I17637V, I11140V, I11265V.
Identifiers: ClinVar variation 1730420 (VCV001730420.2), dbSNP rs1278691474, ClinGen allele CA349483574.

ClinVar aggregate classification (germline): Uncertain significance (1 of 4 stars; one submission).

Conditions:
Cardiovascular phenotype. Identifiers: MedGen CN230736.

Allele frequency attached by ClinVar (database versions not stated): TOPMed below 0.00001; gnomAD 0.00001.
gnomAD v4.1: 2 of 1,613,158 alleles (0.00012%); highest among the groups gnomAD compares: Admixed American, 0.0017%; no homozygotes.

Submission:

Ambry Genetics
Classification: Uncertain significance for Cardiovascular phenotype. Last evaluated: 2018-08-25. Review status: criteria provided, single submitter. Criteria: Ambry Variant Classification Scheme 2023. Collection method: clinical testing. Allele origin: germline.
Comment: The p.I11140V variant (also known as c.33418A>G), located in coding exon 131 of the TTN gene, results from an A to G substitution at nucleotide position 33418. The isoleucine at codon 11140 is replaced by valine, an amino acid with highly similar properties. This amino acid position is not well conserved in available vertebrate species. In addition, this alteration is predicted to be benign and deleteriou by PolyPhen and SIFT in silico analyses, respectively. Since supporting evidence is limited at this time, the clinical significance of this alteration remains unclear.